The following is an entry in ClinVar:

NM_172245.4(CSF2RA):c.904C>T (p.Arg302Cys)

Gene: CSF2RA (colony stimulating factor 2 receptor subunit alpha; plus strand). Cytogenetic location: Xp22.33.
Variant type: single nucleotide variant.
Coding change: c.904C>T on transcript NM_172245.4 (MANE Select); coding-DNA position 904, C replaced by T.
Protein change: p.Arg302Cys; replaces arginine 302 with cysteine.
Molecular consequence: missense variant. On other transcripts: intron variant (2).
Genome position (GRCh38, 1-based): chrX:1,300,584, C>T. VCF-style: chrX-1300584-C-T. GRCh37 (hg19) VCF-style: chrX-1419477-C-T.
Other names: c.904C>T, p.Arg302Cys (NM_001161529.2, NM_001161530.2, NM_001161531.2 and 17 more transcripts); c.505C>T, p.Arg169Cys (NM_001161532.2); c.874C>T, p.Arg292Cys (NM_001379160.1); c.647-4862C>T (NM_172249.4); c.854+1519C>T (NM_001379166.1); short protein forms R302C, R292C, R169C.
Identifiers: ClinVar variation 940723 (VCV000940723.8), dbSNP rs760925182, ClinGen allele CA10331059.

ClinVar aggregate classification (germline): Uncertain significance (1 of 4 stars; one submission).

Conditions:
Surfactant metabolism dysfunction, pulmonary, 4 (SMDP4). Also called: PULMONARY ALVEOLAR PROTEINOSIS, CONGENITAL, 4; PAP DUE TO CSF2RA DEFICIENCY; CSF2RA DEFICIENCY. Identifiers: Orphanet 264675, MedGen C2677877, MONDO:0010424, OMIM 300770.

Allele frequency attached by ClinVar (database versions not stated): TOPMed below 0.00001; ExAC 0.00001; gnomAD 0.00001.
gnomAD v4.1: 8 of 1,613,742 alleles (0.0005%); highest among the groups gnomAD compares: Admixed American, 0.0017%; no homozygotes.

Submission:

Labcorp Genetics (formerly Invitae), Labcorp
Classification: Uncertain significance for Surfactant metabolism dysfunction, pulmonary, 4. Last evaluated: 2024-08-14. Review status: criteria provided, single submitter. Criteria: Invitae Variant Classification Sherloc (09022015). Collection method: clinical testing. Allele origin: germline.
Comment: This sequence change replaces arginine, which is basic and polar, with cysteine, which is neutral and slightly polar, at codon 302 of the CSF2RA protein (p.Arg302Cys). This variant is present in population databases (no rsID available, gnomAD 0.003%). This variant has not been reported in the literature in individuals affected with CSF2RA-related conditions. ClinVar contains an entry for this variant (Variation ID: 940723). Invitae Evidence Modeling of protein sequence and biophysical properties (such as structural, functional, and spatial information, amino acid conservation, physicochemical variation, residue mobility, and thermodynamic stability) indicates that this missense variant is expected to disrupt CSF2RA protein function with a positive predictive value of 80%. In summary, the available evidence is currently insufficient to determine the role of this variant in disease. Therefore, it has been classified as a Variant of Uncertain Significance.